The following is an entry in ClinVar:

NM_001009944.3(PKD1):c.7275C>T (p.Gly2425=)

Gene: PKD1 (polycystin 1, transient receptor potential channel interacting; minus strand). Cytogenetic location: 16p13.3.
Variant type: single nucleotide variant.
Coding change: c.7275C>T on transcript NM_001009944.3 (MANE Select); coding-DNA position 7275, C replaced by T.
Protein change: p.Gly2425=; no amino-acid change (glycine 2425 retained).
Molecular consequence: synonymous variant.
Genome position (GRCh38, 1-based): chr16:2,106,612, G>A on the plus strand (C>T on the coding strand, the complement: PKD1 is on the minus strand). VCF-style: chr16-2106612-G-A. GRCh37 (hg19) VCF-style: chr16-2156613-G-A.
Other names: c.7275C>T, p.Gly2425= (NM_000296.4).
Identifiers: ClinVar variation 256999 (VCV000256999.11), dbSNP rs115772084, ClinGen allele CA7831197.

ClinVar aggregate classification (germline): Benign/Likely benign. Review status: criteria provided, multiple submitters, no conflicts (2 of 4 stars). 6 submissions from 6 submitters: Benign (4); Likely benign (1). 1 of the submissions does not count toward it. Last evaluated 2025-12-22.

Conditions:
Polycystic kidney disease. Also called: Kidney, Polycystic; Polycystic kidney dysplasia. Identifiers: MedGen C0022680, MeSH D007690, MONDO:0020642, HP:0000113.

Allele frequency attached by ClinVar (database versions not stated): gnomAD exomes 0.00238; ExAC 0.00322; 1000 Genomes Project 0.00819; gnomAD 0.00836 and 0.00901; 1000 Genomes Project 30x 0.00874; TOPMed 0.00927; ESP Exome Variant Server 0.01033.
gnomAD v4.1: 2,639 of 1,598,402 alleles (0.17%); highest among the groups gnomAD compares: African/African-American, 2.7%; 29 homozygotes.

Submissions (6):

Women's Health and Genetics/Laboratory Corporation of America, LabCorp
Classification: Likely benign. Last evaluated: 2025-12-22. Review status: criteria provided, single submitter. Criteria: LabCorp Variant Classification Summary - May 2015. Collection method: clinical testing. Allele origin: germline.

Athena Diagnostics
Classification: Benign. Last evaluated: 2023-11-07. Review status: criteria provided, single submitter. Criteria: Athena Diagnostics Criteria. Collection method: clinical testing. Allele origin: unknown.

GeneDx
Classification: Benign. Last evaluated: 2020-04-30. Review status: criteria provided, single submitter. Criteria: GeneDx Variant Classification Process June 2021. Collection method: clinical testing. Allele origin: germline. Affected: yes.

PreventionGenetics, part of Exact Sciences
Classification: Benign. Last evaluated: 2019-11-20. Review status: criteria provided, single submitter. Criteria: ACMG Guidelines, 2015. Collection method: clinical testing. Allele origin: germline.

Breakthrough Genomics
Classification: Benign. Review status: criteria provided, single submitter. Criteria: ACMG Guidelines, 2015. Collection method: not provided. Allele origin: germline. Inheritance: Autosomal dominant inheritance. Affected: yes.

Department of Pathology and Laboratory Medicine, Sinai Health System
Classification: Likely benign for Polycystic Kidney disease. Review status: no assertion criteria provided. Collection method: clinical testing. Allele origin: unknown. Affected: yes. Study: The Canadian Open Genetics Repository (COGR). Not counted in ClinVar's aggregate classification.
Comment: The PKD1 p.Gly2425= variant was identified in 1 of 164 proband chromosomes (frequency: 0.006) from individuals or families with Autosomal Dominant PKD (Garcia-Gonzalez 2007). The variant was also identified in dbSNP (ID: rs115772084) as â€šÃ„ÃºWith Likely benign alleleâ€šÃ„Ã¹, ClinVar (as likely benign by Prevention Genetics which was then changed to uncertain significance in 2016), and ADPKD Mutation Database (as indeterminate). The variant was not identified in LOVD 3.0, or PKD1-LOVD. The variant was identified in control databases in 779 of 261798 chromosomes (6 homozygous) at a frequency of 0.002976 increasing the likelihood this could be a low frequency benign variant (Genome Aggregation Database Feb 27, 2017). The variant was observed in the following populations: African in 640 of 23178 chromosomes (freq: 0.02761), Other in 9 of 6270 chromosomes (freq: 0.001435), Latino in 57 of 34144 chromosomes (freq: 0.001669), European (Non-Finnish) in 18 of 122112 chromosomes (freq: 0.000147), Ashkenazi Jewish in 55 of 9964 chromosomes (freq: 0.00552), while the variant was not observed in the East Asian, European Finnish, and South Asian populations. In addition we cannot be certain that data from control databases is specific to PKD1 and not from one of the six PKD1 pseudogenes. The p.Gly2425= variant is not expected to have clinical significance because it does not result in a change of amino acid and is not located in a known consensus splice site. The variant occurs outside of the splicing consensus sequence and 1 of 4 in silico or computational prediction software programs (SpliceSiteFinder, MaxEntScan, NNSPLICE, GeneSplicer) predict a greater than 10% difference in splicing; this is not very predictive of pathogenicity. In summary, based on the above information the clinical significance of this variant cannot be determined with certainty at this time although we would lean towards a more benign role for this variant. This variant is classified as likely benign.

Literature cited by the submitters: PubMed 30369598 (cited by Athena Diagnostics).